The following is an entry in ClinVar:

NM_001040142.2(SCN2A):c.1945G>A (p.Asp649Asn)

Gene: SCN2A (sodium voltage-gated channel alpha subunit 2; plus strand). Cytogenetic location: 2q24.3.
Variant type: single nucleotide variant.
Coding change: c.1945G>A on transcript NM_001040142.2 (MANE Select); coding-DNA position 1945, G replaced by A.
Protein change: p.Asp649Asn; replaces aspartic acid 649 with asparagine.
Molecular consequence: missense variant.
Genome position (GRCh38, 1-based): chr2:165,323,429, G>A. VCF-style: chr2-165323429-G-A. GRCh37 (hg19) VCF-style: chr2-166179939-G-A.
Other names: c.1945G>A, p.Asp649Asn (NM_001040143.2, NM_001371246.1, NM_001371247.1 and 1 more transcripts); short protein forms D649N.
Identifiers: ClinVar variation 1425372 (VCV001425372.8), dbSNP rs1698173114, ClinGen allele CA349027593.

ClinVar aggregate classification (germline): Uncertain significance (1 of 4 stars; one submission).

Conditions:
Seizures, benign familial infantile, 3 (BFIS3). Also called: CONVULSIONS, BENIGN FAMILIAL INFANTILE, 3; Familial neonatal seizures. Identifiers: Orphanet 140927, Orphanet 306, MedGen C1843140, MONDO:0011904, OMIM 607745.
Developmental and epileptic encephalopathy, 11 (DEE11). Also called: Early infantile epileptic encephalopathy 11. Identifiers: Orphanet 1934, MedGen C3150987, MONDO:0013388, OMIM 613721.

Allele frequency attached by ClinVar (database versions not stated): TOPMed below 0.00001; gnomAD 0.00001.
gnomAD v4.1: 3 of 1,613,858 alleles (0.00019%); highest among the groups gnomAD compares: East Asian, 0.0045%; no homozygotes.

Submission:

Labcorp Genetics (formerly Invitae), Labcorp
Classification: Uncertain significance for Seizures, benign familial infantile, 3; Developmental and epileptic encephalopathy, 11. Last evaluated: 2024-02-12. Review status: criteria provided, single submitter. Criteria: Invitae Variant Classification Sherloc (09022015). Collection method: clinical testing. Allele origin: germline.
Comment: This sequence change replaces aspartic acid, which is acidic and polar, with asparagine, which is neutral and polar, at codon 649 of the SCN2A protein (p.Asp649Asn). This variant is not present in population databases (gnomAD no frequency). This missense change has been observed in individual(s) with severe myoclonic epilepsy of infancy (PMID: 23195492). ClinVar contains an entry for this variant (Variation ID: 1425372). Advanced modeling of protein sequence and biophysical properties (such as structural, functional, and spatial information, amino acid conservation, physicochemical variation, residue mobility, and thermodynamic stability) performed at Invitae indicates that this missense variant is expected to disrupt SCN2A protein function with a positive predictive value of 95%. In summary, the available evidence is currently insufficient to determine the role of this variant in disease. Therefore, it has been classified as a Variant of Uncertain Significance.

Literature cited by the submitters: PubMed 23195492.